The following is an entry in ClinVar:

NM_170601.5(SIAE):c.935C>T (p.Thr312Met)

Gene: SIAE (sialic acid acetylesterase; minus strand). Cytogenetic location: 11q24.2.
Variant type: single nucleotide variant.
Coding change: c.935C>T on transcript NM_170601.5 (MANE Select); coding-DNA position 935, C replaced by T.
Protein change: p.Thr312Met; replaces threonine 312 with methionine.
Molecular consequence: missense variant.
Genome position (GRCh38, 1-based): chr11:124,647,396, G>A on the plus strand (C>T on the coding strand, the complement: SIAE is on the minus strand). VCF-style: chr11-124647396-G-A. GRCh37 (hg19) VCF-style: chr11-124517292-G-A.
Other names: c.830C>T, p.Thr277Met (NM_001199922.2); short protein forms T312M, T277M.
Identifiers: ClinVar variation 1350 (VCV000001350.7), dbSNP rs144510878, ClinGen allele CA114945.

ClinVar aggregate classification (germline): Uncertain significance. Review status: criteria provided, single submitter (1 of 4 stars). 2 submissions from 2 submitters: Uncertain significance (1). 1 of the submissions does not count toward it. Last evaluated 2026-01-31.

Conditions:
Autoimmune disease, susceptibility to, 6. Identifiers: MedGen C3150797, MONDO:0013303, OMIM 613551.

Allele frequency attached by ClinVar (database versions not stated): gnomAD 0.00104 and 0.00109; ExAC 0.00121; gnomAD exomes 0.00101; 1000 Genomes Project 0.00040; ESP Exome Variant Server 0.00146; 1000 Genomes Project 30x 0.00031; TOPMed 0.00082.
gnomAD v4.1: 1,904 of 1,614,190 alleles (0.12%); highest among the groups gnomAD compares: Non-Finnish European, 0.14%; 1 homozygote.

Submissions (2):

Labcorp Genetics (formerly Invitae), Labcorp
Classification: Uncertain significance. Last evaluated: 2026-01-31. Review status: criteria provided, single submitter. Criteria: Invitae Variant Classification Sherloc (09022015). Collection method: clinical testing. Allele origin: germline.
Comment: This sequence change replaces threonine, which is neutral and polar, with methionine, which is neutral and non-polar, at codon 312 of the SIAE protein (p.Thr312Met). This variant is present in population databases (rs144510878, gnomAD 0.2%), and has an allele count higher than expected for a pathogenic variant. This missense change has been observed in individual(s) with autoimmune disorders (PMID: 20555325, 22257840, 23011869). ClinVar contains an entry for this variant (Variation ID: 1350). An algorithm developed to predict the effect of missense changes on protein structure and function (PolyPhen-2) suggests that this variant is likely to be disruptive. Experimental studies have shown that this missense change affects SIAE function (PMID: 20555325). In summary, the available evidence is currently insufficient to determine the role of this variant in disease. Therefore, it has been classified as a Variant of Uncertain Significance.

OMIM
Classification: risk factor for AUTOIMMUNE DISEASE, SUSCEPTIBILITY TO, 6. Last evaluated: 2010-07-08. Review status: no assertion criteria provided. Collection method: literature only. Allele origin: germline. Not counted in ClinVar's aggregate classification.

Literature cited by the submitters: PubMed 20555325 (cited by Labcorp Genetics (formerly Invitae), Labcorp and OMIM); PubMed 22257840 (cited by Labcorp Genetics (formerly Invitae), Labcorp); PubMed 23011869 (cited by Labcorp Genetics (formerly Invitae), Labcorp).